The following is an entry in ClinVar:

NM_001003722.2(GLE1):c.2009G>T (p.Arg670Leu)

Genes: GLE1 (GLE1 RNA export mediator; plus strand), LOC101929270 (uncharacterized LOC101929270; minus strand). Cytogenetic location: 9q34.11.
Variant type: single nucleotide variant.
Coding change: c.2009G>T on transcript NM_001003722.2 (MANE Select); coding-DNA position 2009, G replaced by T.
Protein change: p.Arg670Leu; replaces arginine 670 with leucine.
Molecular consequence: missense variant.
Genome position (GRCh38, 1-based): chr9:128,540,319, G>T. VCF-style: chr9-128540319-G-T. GRCh37 (hg19) VCF-style: chr9-131302598-G-T.
Other names: c.2036G>T, p.Arg679Leu (NM_001411013.1); short protein forms R679L, R670L.
Identifiers: ClinVar variation 4904764 (VCV004904764.2).

ClinVar aggregate classification (germline): Uncertain significance. Review status: criteria provided, multiple submitters, no conflicts (2 of 4 stars). 2 submissions from 2 submitters: Uncertain significance (2). Last evaluated 2024-11-30.

Conditions:
GLE1-related disorder. Also called: GLE1-related disorders; GLE1-related condition.

Submissions (2):

PreventionGenetics, part of Exact Sciences
Classification: Uncertain significance for GLE1-related condition. Last evaluated: 2024-11-30. Review status: criteria provided, single submitter. Criteria: ACMG Guidelines, 2015. Collection method: clinical testing. Allele origin: germline.
Comment: The GLE1 c.2009G>T variant is predicted to result in the amino acid substitution p.Arg670Leu. This variant was reported together with second GLE1 variant in an individual with Lethal congenital contracture syndrome (Table 1, Stals et al. 2018. PubMed ID: 29096039). This variant is reported in 0.0062% of alleles in individuals of European (Non-Finnish) descent in gnomAD. At this time, the clinical significance of this variant is uncertain due to the absence of conclusive functional and genetic evidence.

Blueprint Genetics
Classification: Uncertain significance. Last evaluated: 2020-02-10. Review status: criteria provided, single submitter. Criteria: ACMG Guidelines, 2015. Collection method: clinical testing. Allele origin: germline.